The following is an entry in ClinVar:

ClinVar aggregate classification (germline): Uncertain significance (1 of 4 stars; one submission).

Submission:

Greenwood Genetic Center Diagnostic Laboratories, Greenwood Genetic Center
Classification: Uncertain significance. Last evaluated: 2024-12-06. Review status: criteria provided, single submitter. Criteria: ACMG Guidelines, 2015. Collection method: clinical testing. Allele origin: germline. Affected: yes.
Comment: Gene of Uncertain Significance

NM_001352.5(DBP):c.886C>A (p.Leu296Met)

Gene: DBP (D-box binding PAR bZIP transcription factor; minus strand). Cytogenetic location: 19q13.33.
Variant type: single nucleotide variant.
Coding change: c.886C>A on transcript NM_001352.5 (MANE Select); coding-DNA position 886, C replaced by A.
Protein change: p.Leu296Met; replaces leucine 296 with methionine.
Molecular consequence: missense variant.
Genome position (GRCh38, 1-based): chr19:48,630,929, G>T on the plus strand (C>A on the coding strand, the complement: DBP is on the minus strand). VCF-style: chr19-48630929-G-T. GRCh37 (hg19) VCF-style: chr19-49134186-G-T.
Other names: short protein forms L296M.
Identifiers: ClinVar variation 3765806 (VCV003765806.1).